The following is an entry in ClinVar:

NM_003737.4(DCHS1):c.1411G>A (p.Ala471Thr)

Gene: DCHS1 (dachsous cadherin-related 1; minus strand). Cytogenetic location: 11p15.4.
Variant type: single nucleotide variant.
Coding change: c.1411G>A on transcript NM_003737.4 (MANE Select); coding-DNA position 1411, G replaced by A.
Protein change: p.Ala471Thr; replaces alanine 471 with threonine.
Molecular consequence: missense variant.
Genome position (GRCh38, 1-based): chr11:6,640,203, C>T on the plus strand (G>A on the coding strand, the complement: DCHS1 is on the minus strand). VCF-style: chr11-6640203-C-T. GRCh37 (hg19) VCF-style: chr11-6661434-C-T.
Other names: short protein forms A471T.
Identifiers: ClinVar variation 4770946 (VCV004770946.1).

ClinVar aggregate classification (germline): Uncertain significance (1 of 4 stars; one submission).

Submission:

Labcorp Genetics (formerly Invitae), Labcorp
Classification: Uncertain significance. Last evaluated: 2025-12-28. Review status: criteria provided, single submitter. Criteria: Invitae Variant Classification Sherloc (09022015). Collection method: clinical testing. Allele origin: germline.
Comment: This sequence change replaces alanine, which is neutral and non-polar, with threonine, which is neutral and polar, at codon 471 of the DCHS1 protein (p.Ala471Thr). This variant is not present in population databases (gnomAD no frequency). This variant has not been reported in the literature in individuals affected with DCHS1-related conditions. Invitae Evidence Modeling of protein sequence and biophysical properties (such as structural, functional, and spatial information, amino acid conservation, physicochemical variation, residue mobility, and thermodynamic stability) indicates that this missense variant is not expected to disrupt DCHS1 protein function with a negative predictive value of 80%. In summary, the available evidence is currently insufficient to determine the role of this variant in disease. Therefore, it has been classified as a Variant of Uncertain Significance.